The following is an entry in ClinVar:

NM_032578.4(MYPN):c.532T>C (p.Cys178Arg)

Gene: MYPN (myopalladin; plus strand). Cytogenetic location: 10q21.3.
Variant type: single nucleotide variant.
Coding change: c.532T>C on transcript NM_032578.4 (MANE Select); coding-DNA position 532, T replaced by C.
Protein change: p.Cys178Arg; replaces cysteine 178 with arginine.
Molecular consequence: missense variant. On other transcripts: 5 prime UTR variant (1), non-coding transcript variant (1).
Genome position (GRCh38, 1-based): chr10:68,121,970, T>C. VCF-style: chr10-68121970-T-C. GRCh37 (hg19) VCF-style: chr10-69881727-T-C.
Other names: c.532T>C, p.Cys178Arg (NM_001256267.2); c.-591T>C (NM_001256268.2); short protein forms C178R.
Identifiers: ClinVar variation 3228177 (VCV003228177.1), dbSNP rs2495464110, ClinGen allele CA377104558.

ClinVar aggregate classification (germline): Uncertain significance (1 of 4 stars; one submission).

Conditions:
Cardiovascular phenotype. Identifiers: MedGen CN230736.

Allele frequency attached by ClinVar (database versions not stated): gnomAD exomes below 0.00001.
gnomAD v4.1: 1 of 1,614,202 alleles (0.000062%); highest among the groups gnomAD compares: Non-Finnish European, 0.000085%; no homozygotes.

Submission:

Ambry Genetics
Classification: Uncertain significance for Cardiovascular phenotype. Last evaluated: 2024-02-03. Review status: criteria provided, single submitter. Criteria: Ambry Variant Classification Scheme 2023. Collection method: clinical testing. Allele origin: germline.
Comment: The p.C178R variant (also known as c.532T>C), located in coding exon 1 of the MYPN gene, results from a T to C substitution at nucleotide position 532. The cysteine at codon 178 is replaced by arginine, an amino acid with highly dissimilar properties. This amino acid position is conserved. In addition, the in silico prediction for this alteration is inconclusive. Based on the available evidence, the clinical significance of this alteration remains unclear.